The following is an entry in ClinVar:

ClinVar aggregate classification (germline): Uncertain significance. Review status: criteria provided, multiple submitters, no conflicts (2 of 4 stars). 2 submissions from 2 submitters: Uncertain significance (2). Last evaluated 2024-04-04.

Conditions:
Neuropathy, hereditary sensory and autonomic, type 1C. Also called: HSAN IC; HSN IC. Identifiers: Orphanet 36386, MedGen C3150896, MONDO:0013337, OMIM 613640.

Allele frequency attached by ClinVar (database versions not stated): gnomAD 0.00001; gnomAD exomes 0.00001 and 0.00005; TOPMed 0.00002; ExAC 0.00005.
gnomAD v4.1: 12 of 1,613,964 alleles (0.00074%); highest among the groups gnomAD compares: East Asian, 0.027%; no homozygotes.

Submissions (2):

Labcorp Genetics (formerly Invitae), Labcorp
Classification: Uncertain significance for Neuropathy, hereditary sensory and autonomic, type 1C. Last evaluated: 2024-04-04. Review status: criteria provided, single submitter. Criteria: Invitae Variant Classification Sherloc (09022015). Collection method: clinical testing. Allele origin: germline.
Comment: This sequence change replaces glycine, which is neutral and non-polar, with aspartic acid, which is acidic and polar, at codon 431 of the SPTLC2 protein (p.Gly431Asp). This variant is present in population databases (rs746036150, gnomAD 0.08%), and has an allele count higher than expected for a pathogenic variant. This missense change has been observed in individual(s) with clinical features of SPTLC2-related conditions (PMID: 27066551). ClinVar contains an entry for this variant (Variation ID: 1351757). An algorithm developed to predict the effect of missense changes on protein structure and function (PolyPhen-2) suggests that this variant is likely to be disruptive. In summary, the available evidence is currently insufficient to determine the role of this variant in disease. Therefore, it has been classified as a Variant of Uncertain Significance.

Mendelics
Classification: Uncertain significance. Last evaluated: 2022-05-04. Review status: criteria provided, single submitter. Criteria: Mendelics Assertion Criteria 2019. Collection method: clinical testing. Allele origin: germline.

Literature cited by the submitters: PubMed 27066551 (cited by Labcorp Genetics (formerly Invitae), Labcorp).

NM_004863.4(SPTLC2):c.1292G>A (p.Gly431Asp)

Gene: SPTLC2 (serine palmitoyltransferase long chain base subunit 2; minus strand). Cytogenetic location: 14q24.3.
Variant type: single nucleotide variant.
Coding change: c.1292G>A on transcript NM_004863.4 (MANE Select); coding-DNA position 1292, G replaced by A.
Protein change: p.Gly431Asp; replaces glycine 431 with aspartic acid.
Molecular consequence: missense variant.
Genome position (GRCh38, 1-based): chr14:77,552,107, C>T on the plus strand (G>A on the coding strand, the complement: SPTLC2 is on the minus strand). VCF-style: chr14-77552107-C-T. GRCh37 (hg19) VCF-style: chr14-78018450-C-T.
Other names: short protein forms G431D.
Identifiers: ClinVar variation 1351757 (VCV001351757.9), dbSNP rs746036150, ClinGen allele CA7289218.